The following is an entry in ClinVar:

NM_001048174.2(MUTYH):c.1020_1021delinsTT (p.Arg340_Glu341delinsSerTer)

Gene: MUTYH (mutY DNA glycosylase; minus strand). Cytogenetic location: 1p34.1.
Variant type: Indel.
Coding change: c.1020_1021delinsTT on transcript NM_001048174.2 (MANE Select); coding-DNA positions 1020 to 1021, GG replaced by TT.
Protein change: p.Arg340_Glu341delinsSerTer.
Molecular consequence: nonsense. On other transcripts: non-coding transcript variant (7).
Genome position (GRCh38, 1-based): chr1:45,331,742-45,331,743, CC replaced by AA on the plus strand (GG replaced by TT on the coding strand, the reverse complement: MUTYH is on the minus strand). VCF-style: chr1-45331742-CC-AA. GRCh37 (hg19) VCF-style: chr1-45797414-CC-AA.
Other names: c.1020_1021delinsTT, p.Arg340_Glu341delinsSerTer (NM_001048171.2, NM_001048173.2, NM_001293195.2 and 6 more transcripts); c.1023_1024delinsTT, p.Arg341_Glu342delinsSerTer (NM_001048172.2, NM_001407071.1, NM_001407078.1 and 1 more transcripts); c.1104_1105delinsTT, p.Arg368_Glu369delinsSerTer (NM_001128425.2); c.1065_1066delinsTT, p.Arg355_Glu356delinsSerTer (NM_001293190.2); c.1053_1054delinsTT, p.Arg351_Glu352delinsSerTer (NM_001293191.2, NM_001407069.1, NM_001407077.1); c.744_745delinsTT, p.Arg248_Glu249delinsSerTer (NM_001293192.2, NM_001293196.2, NM_001407091.1); c.675_676delinsTT, p.Arg225_Glu226delinsSerTer (NM_001350650.2, NM_001350651.2, NM_001407082.1); c.936_937delinsTT, p.Arg312_Glu313delinsSerTer (NM_001407075.1); and 5 more.
Identifiers: ClinVar variation 3650767 (VCV003650767.2).

ClinVar aggregate classification (germline): Pathogenic (1 of 4 stars; one submission).

Conditions:
Familial adenomatous polyposis 2. Also called: FAP type 2; COLORECTAL ADENOMATOUS POLYPOSIS, AUTOSOMAL RECESSIVE; ADENOMAS, MULTIPLE COLORECTAL, AUTOSOMAL RECESSIVE; MYH-associated polyposis; Adenomas, multiple colorectal; MUTYH-associated polyposis. Identifiers: Orphanet 220460, Orphanet 247798, MedGen C3272841, MONDO:0012041, OMIM 608456.

Submission:

Labcorp Genetics (formerly Invitae), Labcorp
Classification: Pathogenic for Familial adenomatous polyposis 2. Last evaluated: 2024-04-24. Review status: criteria provided, single submitter. Criteria: Invitae Variant Classification Sherloc (09022015). Collection method: clinical testing. Allele origin: germline.
Comment: This sequence change creates a premature translational stop signal (p.Arg368_Glu369delinsSer*) in the MUTYH gene. It is expected to result in an absent or disrupted protein product. Loss-of-function variants in MUTYH are known to be pathogenic (PMID: 18534194, 20663686). Information on the frequency of this variant in the gnomAD database is not available, as this variant may be reported differently in the database. This variant has not been reported in the literature in individuals affected with MUTYH-related conditions. For these reasons, this variant has been classified as Pathogenic.

Literature cited by the submitters: PubMed 18534194; PubMed 20663686.